The following is an entry in ClinVar:

ClinVar aggregate classification (germline): Pathogenic/Likely pathogenic. Review status: criteria provided, multiple submitters, no conflicts (2 of 4 stars). 26 submissions from 25 submitters: Pathogenic (18); Likely pathogenic (1). 7 of the submissions do not count toward it. Last evaluated 2026-06-26.

Conditions:
Hyperimmunoglobulin D with periodic fever (HIDS). Also called: Hyperimmunoglobulinemia D with periodic fever; Hyperimmunoglobulinemia D; HYPERIMMUNOGLOBULINEMIA D AND PERIODIC FEVER SYNDROME. Identifiers: Orphanet 343, MedGen C0398691, MONDO:0009849, OMIM 260920.
Mevalonic aciduria (MEVA). Identifiers: Orphanet 29, MedGen C1959626, MONDO:0012481, OMIM 610377.
Autoinflammatory syndrome. Identifiers: Orphanet 93665, MedGen C3890737, MONDO:0019751.
MVK-related disorder. Also called: MVK-related disorders; MVK-related condition. Identifiers: MedGen CN239294.
Inborn genetic diseases. Identifiers: MedGen C0950123, MeSH D030342.
Retinal dystrophy. Also called: Inherited retinal dystrophy. Identifiers: Orphanet 71862, MedGen C0854723, MeSH D058499, MONDO:0019118, HP:0000556.
Porokeratosis 3, disseminated superficial actinic type (POROK3). Also called: POROKERATOSIS, DISSEMINATED SUPERFICIAL ACTINIC, 1; POROKERATOSIS 3, MULTIPLE TYPES; POROKERATOSIS 3, MIBELLI TYPE. Identifiers: MedGen C1867981, MONDO:0008293, OMIM 175900.

Allele frequency attached by ClinVar (database versions not stated): ExAC 0.00011; gnomAD exomes 0.00015 and 0.00019; gnomAD 0.00017 and 0.00018; TOPMed 0.00017.
gnomAD v4.1: 310 of 1,613,992 alleles (0.019%); highest among the groups gnomAD compares: Non-Finnish European, 0.024%; no homozygotes.

Submissions 1 to 11 of 26:

Breda Genetics srl
Classification: Pathogenic for Mevalonic aciduria. Last evaluated: 2026-06-26. Review status: criteria provided, single submitter. Criteria: ACMG Guidelines, 2015. Collection method: clinical testing. Allele origin: biparental. Affected: yes. Observed: 1 variant allele.
Comment: The variant has previously been reported as pathogenic and has been described in the literature in association with severe presentations of mevalonate kinase deficiency, including prenatal and perinatal forms. The observed phenotype is consistent with severe mevalonic aciduria.

CeGaT Center for Human Genetics Tuebingen
Classification: Pathogenic. Last evaluated: 2026-05-01. Review status: criteria provided, single submitter. Criteria: CeGaT Center For Human Genetics Tuebingen Variant Classification Criteria Version 2. Collection method: clinical testing. Allele origin: germline. Affected: yes. Observed: 9 variant alleles.
Comment: MVK: PM3:Very Strong, PM2, PS3:Supporting

PreventionGenetics, part of Exact Sciences
Classification: Pathogenic for MVK-related condition. Last evaluated: 2026-03-18. Review status: criteria provided, single submitter. Criteria: ACMG Guidelines, 2015. Collection method: clinical testing. Allele origin: germline.
Comment: The MVK c.803T>C variant is predicted to result in the amino acid substitution p.Ile268Thr. This variant has been reported in the homozygous and compound heterozygous states in individuals with mevalonate kinase deficiency and hyperimmunoglobulinemia D and periodic fever syndrome (aka Hyper-IgD syndrome, HIDS) (Houten et al. 1999. PubMed ID: 10369261; Cuisset et al. 2001. PubMed ID: 11313769; Munoz et al. 2019. PubMed ID: 31474985). This variant results in reduced mevalonate kinase activity (Houten et al. 1999. PubMed ID: 10369261; Cuisset et al. 2001. PubMed ID: 11313769). This variant is reported in 0.028% of alleles in individuals of European (Non-Finnish) descent in gnomAD. In ClinVar, it classified as a pathogenic variant (Variation ID: 11932). This variant is interpreted as pathogenic.

Labcorp Genetics (formerly Invitae), Labcorp
Classification: Pathogenic for Mevalonic aciduria; Hyperimmunoglobulin D with periodic fever; Porokeratosis 3, disseminated superficial actinic type. Last evaluated: 2026-01-26. Review status: criteria provided, single submitter. Criteria: Invitae Variant Classification Sherloc (09022015). Collection method: clinical testing. Allele origin: germline.
Comment: This sequence change replaces isoleucine, which is neutral and non-polar, with threonine, which is neutral and polar, at codon 268 of the MVK protein (p.Ile268Thr). This variant is present in population databases (rs104895304, gnomAD 0.03%). This missense change has been observed in individuals with mevalonate kinase deficiency and hyperimmunoglobulinemia D and periodic fever syndrome (HIDS) (PMID: 10369261, 10401001, 10417275, 11313769, 19011501, 21425920, 23692791, 24470648, 26116953, 27142780, 27213830). ClinVar contains an entry for this variant (Variation ID: 11932). Invitae Evidence Modeling of protein sequence and biophysical properties (such as structural, functional, and spatial information, amino acid conservation, physicochemical variation, residue mobility, and thermodynamic stability) indicates that this missense variant is expected to disrupt MVK protein function with a positive predictive value of 95%. Experimental studies have shown that this missense change affects MVK function (PMID: 10369261, 10401001, 10417275). For these reasons, this variant has been classified as Pathogenic.

Institute of Human Genetics, University of Leipzig Medical Center
Classification: Pathogenic for Hyperimmunoglobulin D with periodic fever. Last evaluated: 2025-03-04. Review status: criteria provided, single submitter. Criteria: ACMG Guidelines, 2015. Collection method: clinical testing. Allele origin: unknown. Inheritance: Autosomal recessive inheritance. Affected: yes.
Comment: Criteria applied: PM3_VSTR,PP4_STR,PM2,PP3

Blueprint Genetics
Classification: Pathogenic for MVK-related disorders. Last evaluated: 2024-10-14. Review status: criteria provided, single submitter. Criteria: ACMG Guidelines, 2015. Collection method: clinical testing. Allele origin: germline. Affected: yes. Observed: 5 variant alleles.

GeneDx
Classification: Pathogenic. Last evaluated: 2024-08-19. Review status: criteria provided, single submitter. Criteria: GeneDx Variant Classification Process June 2021. Collection method: clinical testing. Allele origin: germline. Affected: yes.
Comment: In a study of 103 individuals who had a clinical diagnosis of hyper-IgD syndrome, approximately 15% of patients were compound heterozygous for the I268T variant and another pathogenic variant (PMID: 19011501, 24084495, 24470648); Published functional studies demonstrate decreased mevalonate kinase activity as compared with wild type (PMID: 10369261); In silico analysis supports that this missense variant has a deleterious effect on protein structure/function; This variant is associated with the following publications: (PMID: 24088041, 11313768, 15536479, 29290516, 34525209, 34145613, 32060250, 23692791, 21425920, 10369262, 10417275, 11313769, 25897835, 24470648, 26116953, 26990548, 18839211, 10896296, 24084495, 31028937, 31474985, 31589614, 36242899, 35916082, 31964843, 37700301, 33815380, 35753512, 19011501, 10369261)

Fulgent Genetics
Classification: Pathogenic for Porokeratosis 3, disseminated superficial actinic type; Hyperimmunoglobulin D with periodic fever; Mevalonic aciduria. Last evaluated: 2024-05-03. Review status: criteria provided, single submitter. Criteria: ACMG Guidelines, 2015. Collection method: clinical testing. Allele origin: germline.

Women's Health and Genetics/Laboratory Corporation of America, LabCorp
Classification: Pathogenic for Hyperimmunoglobulin D with periodic fever. Last evaluated: 2023-12-12. Review status: criteria provided, single submitter. Criteria: LabCorp Variant Classification Summary - May 2015. Collection method: clinical testing. Allele origin: germline.
Comment: Variant summary: MVK c.803T>C (p.Ile268Thr) results in a non-conservative amino acid change in the encoded protein sequence. Five of five in-silico tools predict a damaging effect of the variant on protein function. The variant allele was found at a frequency of 0.00015 in 251464 control chromosomes (gnomAD). This frequency is not significantly higher than estimated for a pathogenic variant in MVK causing Hyper-IgD syndrome (0.00015 vs 0.0056), allowing no conclusion about variant significance. c.803T>C has been reported in the literature in multiple individuals affected with Hyper-IgD syndrome (e.g. Houten_1999, Cuisset_2001, Simon_2006). These data indicate that the variant is very likely to be associated with disease. At least one publication reports experimental evidence evaluating an impact on protein function, finding that the variant results in <10% of normal activity (Houten_1999). The following publications have been ascertained in the context of this evaluation (PMID: 10369261, 11313769, 16234278). Nine submitters have cited clinical-significance assessments for this variant to ClinVar after 2014. All submitters classified the variant as pathogenic. Based on the evidence outlined above, the variant was classified as pathogenic.

Mayo Clinic Laboratories, Mayo Clinic
Classification: Pathogenic. Last evaluated: 2023-02-15. Review status: criteria provided, single submitter. Criteria: ACMG Guidelines, 2015. Collection method: clinical testing. Allele origin: germline. Observed: 1 variant allele.
Comment: PP3, PP4, PM2, PM3, PS3, PS4

Dasa
Classification: Pathogenic for MVK-related disorder. Last evaluated: 2022-06-10. Review status: criteria provided, single submitter. Criteria: ACMG Guidelines, 2015. Collection method: clinical testing. Allele origin: germline. Affected: yes. Observed: 1 variant allele.
Comment: The c.803T>C;p.(Ile268Thr) missense change has been observed in affected individual(s) and ClinVar contains an entry for this variant (Clivar ID: 11932; PMID: 33917151; 24470648; 28359055; 24084495; 11313769) - PS4.Well-established in vitro or in vivo functional studies supportive of a damaging effect on the gene or gene product (PMID: 28359055) - PS3_moderate. The variant is present at low allele frequencies population databases (rs104895304– gnomAD 0.001709%; ABraOM no frequency) -PM2_supporting. The p.(Ile268Thr) was detected in trans with a Pathogenic variant (PMID: 33917151; 24470648; 11313769) - PM3_strong. The variant co-segregated with disease in multiple affected family members (PMID: 24084495) - PP1. Multiple lines of computational evidence support a deleterious effect on the gene or gene product - PP3. In summary, the currently available evidence indicates that the variant is Pathogenic

NM_000431.4(MVK):c.803T>C (p.Ile268Thr)

Gene: MVK (mevalonate kinase; plus strand). Cytogenetic location: 12q24.11.
Variant type: single nucleotide variant.
Coding change: c.803T>C on transcript NM_000431.4 (MANE Select); coding-DNA position 803, T replaced by C.
Protein change: p.Ile268Thr; replaces isoleucine 268 with threonine.
Molecular consequence: missense variant.
Genome position (GRCh38, 1-based): chr12:109,591,275, T>C. VCF-style: chr12-109591275-T-C. GRCh37 (hg19) VCF-style: chr12-110029080-T-C.
Other names: c.803T>C, p.Ile268Thr (LRG_156t1, NM_001114185.3); c.647T>C, p.Ile216Thr (NM_001301182.2); short protein forms I268T, I216T.
Identifiers: ClinVar variation 11932 (VCV000011932.75), dbSNP rs104895304, ClinGen allele CA121782.